The following is an entry in ClinVar:

ClinVar aggregate classification (germline): Conflicting classifications of pathogenicity. Review status: criteria provided, conflicting classifications (1 of 4 stars). 2 submissions from 2 submitters: Uncertain significance (1); Likely benign (1). Last evaluated 2025-05-15.

Conditions:
Hereditary cancer-predisposing syndrome. Also called: Neoplastic Syndromes, Hereditary; Tumor predisposition; Hereditary Cancer Syndrome; Hereditary neoplastic syndrome. Identifiers: Orphanet 140162, MedGen C0027672, MeSH D009386, MONDO:0015356.

Submissions (2):

Ambry Genetics
Classification: Likely benign for Hereditary cancer-predisposing syndrome. Last evaluated: 2025-05-15. Review status: criteria provided, single submitter. Criteria: Ambry Variant Classification Scheme 2023. Collection method: clinical testing. Allele origin: germline.

Color Diagnostics, LLC DBA Color Health
Classification: Uncertain significance for Hereditary cancer-predisposing syndrome. Last evaluated: 2023-12-04. Review status: criteria provided, single submitter. Criteria: ACMG Guidelines, 2015. Collection method: clinical testing. Allele origin: germline.
Comment: This missense variant replaces serine with proline at codon 2836 of the BRCA2 protein. Computational prediction suggests that this variant may not impact protein structure and function (internally defined REVEL score threshold <= 0.5, PMID: 27666373). To our knowledge, functional studies have not been reported for this variant. This variant has not been reported in individuals affected with BRCA2-related disorders in the literature. This variant has not been identified in the general population by the Genome Aggregation Database (gnomAD). The available evidence is insufficient to determine the role of this variant in disease conclusively. Therefore, this variant is classified as a Variant of Uncertain Significance.

NM_000059.4(BRCA2):c.8506T>C (p.Ser2836Pro)

Gene: BRCA2 (BRCA2 DNA repair associated; plus strand). Cytogenetic location: 13q13.1.
Variant type: single nucleotide variant.
Coding change: c.8506T>C on transcript NM_000059.4 (MANE Select); coding-DNA position 8506, T replaced by C.
Protein change: p.Ser2836Pro; replaces serine 2836 with proline.
Molecular consequence: missense variant.
Genome position (GRCh38, 1-based): chr13:32,370,974, T>C. VCF-style: chr13-32370974-T-C. GRCh37 (hg19) VCF-style: chr13-32945111-T-C.
Other names: short protein forms S2836P.
Identifiers: ClinVar variation 921161 (VCV000921161.7), dbSNP rs2072828445, ClinGen allele CA387752692.